The following is an entry in ClinVar:

ClinVar aggregate classification (germline): Uncertain significance. Review status: criteria provided, multiple submitters, no conflicts (2 of 4 stars). 2 submissions from 2 submitters: Uncertain significance (2). Last evaluated 2025-12-10.

Conditions:
Inborn genetic diseases. Identifiers: MedGen C0950123, MeSH D030342.
Fanconi anemia (FA). Also called: Fanconi's anemia. Identifiers: Orphanet 84, MedGen C0015625, MeSH D005199, MONDO:0019391.

Submissions (2):

Ambry Genetics
Classification: Uncertain significance for Inborn genetic diseases. Last evaluated: 2025-12-10. Review status: criteria provided, single submitter. Criteria: Ambry Variant Classification Scheme 2023. Collection method: clinical testing. Allele origin: germline.
Comment: The p.S1619R variant (also known as c.4855A>C), located in coding exon 20 of the FANCM gene, results from an A to C substitution at nucleotide position 4855. The serine at codon 1619 is replaced by arginine, an amino acid with dissimilar properties. This amino acid position is conserved. In addition, the in silico prediction for this alteration is inconclusive. Based on the available evidence, the clinical significance of this variant remains unclear.

Labcorp Genetics (formerly Invitae), Labcorp
Classification: Uncertain significance for Fanconi anemia. Last evaluated: 2025-01-02. Review status: criteria provided, single submitter. Criteria: Invitae Variant Classification Sherloc (09022015). Collection method: clinical testing. Allele origin: germline.
Comment: This sequence change replaces serine, which is neutral and polar, with arginine, which is basic and polar, at codon 1619 of the FANCM protein (p.Ser1619Arg). This variant is not present in population databases (gnomAD no frequency). This variant has not been reported in the literature in individuals affected with FANCM-related conditions. An algorithm developed to predict the effect of missense changes on protein structure and function (PolyPhen-2) suggests that this variant is likely to be disruptive. In summary, the available evidence is currently insufficient to determine the role of this variant in disease. Therefore, it has been classified as a Variant of Uncertain Significance.

NM_020937.4(FANCM):c.4855A>C (p.Ser1619Arg)

Gene: FANCM (FA complementation group M; plus strand). Cytogenetic location: 14q21.2.
Variant type: single nucleotide variant.
Coding change: c.4855A>C on transcript NM_020937.4 (MANE Select); coding-DNA position 4855, A replaced by C.
Protein change: p.Ser1619Arg; replaces serine 1619 with arginine.
Molecular consequence: missense variant.
Genome position (GRCh38, 1-based): chr14:45,188,877, A>C. VCF-style: chr14-45188877-A-C. GRCh37 (hg19) VCF-style: chr14-45658080-A-C.
Other names: c.4777A>C, p.Ser1593Arg (NM_001308133.2); short protein forms S1593R, S1619R.
Identifiers: ClinVar variation 3729947 (VCV003729947.3).
Genomic context (GRCh38, chr14:45,188,877, plus strand): 5'-GAAACCTATTTAGAGGATAGTTTTTGTGTTGATGAAGAGGAGTCTTGCAAAGGCCAATCA[A>C]GTGAAGAAGAAGTTTGTGTTGATTTTAACTTAATAACTGATGATTGCTTTGCAAATAGTA-3'
Protein context (NP_065988.1, residues 1609-1629): DEEESCKGQS[Ser1619Arg]EEEVCVDFNL